The following is an entry in ClinVar:

NM_000264.5(PTCH1):c.874A>T (p.Met292Leu)

Gene: PTCH1 (patched 1; minus strand). Cytogenetic location: 9q22.32.
Variant type: single nucleotide variant.
Coding change: c.874A>T on transcript NM_000264.5 (MANE Select); coding-DNA position 874, A replaced by T.
Protein change: p.Met292Leu; replaces methionine 292 with leucine.
Molecular consequence: missense variant. On other transcripts: non-coding transcript variant (1).
Genome position (GRCh38, 1-based): chr9:95,480,461, T>A on the plus strand (A>T on the coding strand, the complement: PTCH1 is on the minus strand). VCF-style: chr9-95480461-T-A. GRCh37 (hg19) VCF-style: chr9-98242743-T-A.
Other names: c.676A>T, p.Met226Leu (NM_001083602.3); c.871A>T, p.Met291Leu (NM_001083603.3); c.421A>T, p.Met141Leu (NM_001083604.3, NM_001083605.3, NM_001083606.3 and 1 more transcripts); c.874A>T, p.Met292Leu (NM_001354918.2); short protein forms M141L, M291L, M292L, M226L.
Identifiers: ClinVar variation 3311123 (VCV003311123.1).

ClinVar aggregate classification (germline): Uncertain significance (1 of 4 stars; one submission).

Conditions:
Hereditary cancer-predisposing syndrome. Also called: Neoplastic Syndromes, Hereditary; Tumor predisposition; Hereditary neoplastic syndrome; Hereditary Cancer Syndrome. Identifiers: Orphanet 140162, MedGen C0027672, MeSH D009386, MONDO:0015356.

Submission:

Ambry Genetics
Classification: Uncertain significance for Hereditary cancer-predisposing syndrome. Last evaluated: 2024-04-20. Review status: criteria provided, single submitter. Criteria: Ambry Variant Classification Scheme 2023. Collection method: clinical testing. Allele origin: germline.
Comment: The p.M292L variant (also known as c.874A>T), located in coding exon 6 of the PTCH1 gene, results from an A to T substitution at nucleotide position 874. The methionine at codon 292 is replaced by leucine, an amino acid with highly similar properties. This amino acid position is conserved. In addition, this alteration is predicted to be deleterious by in silico analysis. Based on the available evidence, the clinical significance of this variant remains unclear.